The following is an entry in ClinVar:

NM_002206.3(ITGA7):c.2845-20C>T

Gene: ITGA7 (integrin subunit alpha 7; minus strand). Cytogenetic location: 12q13.2.
Variant type: single nucleotide variant.
Coding change: c.2845-20C>T on transcript NM_002206.3 (MANE Select); 20 bases into the intron before coding-DNA position 2845, C replaced by T.
Molecular consequence: intron variant.
Genome position (GRCh38, 1-based): chr12:55,688,977, G>A on the plus strand (C>T on the coding strand, the complement: ITGA7 is on the minus strand). VCF-style: chr12-55688977-G-A. GRCh37 (hg19) VCF-style: chr12-56082761-G-A.
Other names: c.2566-20C>T (NM_001144997.2); c.2518-20C>T (NM_001367993.1); c.2506-20C>T (NM_001414035.1); c.2662-20C>T (NM_001414033.1); c.1501-20C>T (NM_001367994.1); c.2725-20C>T (NM_001414032.1); c.2758-20C>T (NM_001414031.1); c.2827-20C>T (NM_001374465.1); and 5 more.
Identifiers: ClinVar variation 3047287 (VCV003047287.4), dbSNP rs746092994, ClinGen allele CA6615436.

ClinVar aggregate classification (germline): Likely benign. Review status: criteria provided, single submitter (1 of 4 stars). 2 submissions from 2 submitters: Likely benign (1). 1 of the submissions does not count toward it. Last evaluated 2024-09-08.

Conditions:
ITGA7-related disorder. Also called: ITGA7-related condition.
Congenital muscular dystrophy due to integrin alpha-7 deficiency. Also called: Congenital muscular dystrophy with integrin alpha-7 deficiency; Muscular dystrophy, congenital, due to ITGA7 deficiency; MYOPATHY, CONGENITAL, DUE TO INTEGRIN ALPHA-7 DEFICIENCY. Identifiers: Orphanet 34520, MedGen C2750786, MONDO:0013177, OMIM 613204.

Allele frequency attached by ClinVar (database versions not stated): ExAC 0.00002; gnomAD exomes 0.00002.
gnomAD v4.1: 30 of 1,601,202 alleles (0.0019%); highest among the groups gnomAD compares: Non-Finnish European, 0.0024%; no homozygotes.

Submissions (2):

Labcorp Genetics (formerly Invitae), Labcorp
Classification: Likely benign for Congenital muscular dystrophy due to integrin alpha-7 deficiency. Last evaluated: 2024-09-08. Review status: criteria provided, single submitter. Criteria: Invitae Variant Classification Sherloc (09022015). Collection method: clinical testing. Allele origin: germline.

PreventionGenetics, part of Exact Sciences
Classification: Likely benign for ITGA7-related condition. Last evaluated: 2019-02-20. Review status: no assertion criteria provided. Collection method: clinical testing. Allele origin: germline. Not counted in ClinVar's aggregate classification.
Comment: This variant is classified as likely benign based on ACMG/AMP sequence variant interpretation guidelines (Richards et al. 2015 PMID: 25741868, with internal and published modifications).